The following is an entry in ClinVar:

ClinVar aggregate classification (germline): Benign/Likely benign. Review status: criteria provided, multiple submitters, no conflicts (2 of 4 stars). 7 submissions from 7 submitters: Benign (3); Likely benign (2). 2 of the submissions do not count toward it. Last evaluated 2026-02-03.

Conditions:
HUWE1-related disorder. Also called: HUWE1-related condition.
Inborn genetic diseases. Identifiers: MedGen C0950123, MeSH D030342.
Intellectual developmental disorder, X-linked, syndromic, Turner type. Also called: Intellectual disability, X-linked syndromic, Turner type; X-linked intellectual disability, Turner type. Identifiers: Orphanet 3056, Orphanet 85328, MedGen C2678046, MONDO:0010407, OMIM 309590.

Allele frequency attached by ClinVar (database versions not stated): gnomAD 0.00593; TOPMed 0.00718; 1000 Genomes Project 0.00821; 1000 Genomes Project 30x 0.00832; ESP Exome Variant Server 0.00928.
gnomAD v4.1: 1,491 of 1,201,794 alleles (0.12%); highest among the groups gnomAD compares: African/African-American, 2.4%; 13 homozygotes.

Submissions (7):

Labcorp Genetics (formerly Invitae), Labcorp
Classification: Benign. Last evaluated: 2026-02-03. Review status: criteria provided, single submitter. Criteria: Invitae Variant Classification Sherloc (09022015). Collection method: clinical testing. Allele origin: germline.

Blueprint Genetics
Classification: Likely benign. Last evaluated: 2024-11-27. Review status: criteria provided, single submitter. Criteria: ACMG Guidelines, 2015. Collection method: clinical testing. Allele origin: germline.

Fulgent Genetics
Classification: Likely benign for Intellectual developmental disorder, X-linked, syndromic, Turner type. Last evaluated: 2022-05-11. Review status: criteria provided, single submitter. Criteria: ACMG Guidelines, 2015. Collection method: clinical testing. Allele origin: unknown.

GeneDx
Classification: Benign. Last evaluated: 2021-04-27. Review status: criteria provided, single submitter. Criteria: GeneDx Variant Classification Process June 2021. Collection method: clinical testing. Allele origin: germline. Affected: yes.

Ambry Genetics
Classification: Benign for Inborn genetic diseases. Last evaluated: 2014-12-13. Review status: criteria provided, single submitter. Criteria: Ambry Variant Classification Scheme 2023. Collection method: clinical testing. Allele origin: germline.

PreventionGenetics, part of Exact Sciences
Classification: Benign for HUWE1-related condition. Last evaluated: 2020-04-14. Review status: no assertion criteria provided. Collection method: clinical testing. Allele origin: germline. Not counted in ClinVar's aggregate classification.
Comment: This variant is classified as benign based on ACMG/AMP sequence variant interpretation guidelines (Richards et al. 2015 PMID: 25741868, with internal and published modifications).

Genetic Services Laboratory, University of Chicago
Classification: Likely benign for AllHighlyPenetrant. Review status: no assertion criteria provided. Collection method: clinical testing. Allele origin: germline. Inheritance: X-linked inheritance. Not counted in ClinVar's aggregate classification.
Comment: Likely benign based on allele frequency in 1000 Genomes Project or ESP global frequency and its presence in a patient with a rare or unrelated disease phenotype. NOT Sanger confirmed.

NM_031407.7(HUWE1):c.10551G>T (p.Leu3517=)

Gene: HUWE1 (HECT, UBA and WWE domain containing E3 ubiquitin protein ligase 1; minus strand). Cytogenetic location: Xp11.22.
Variant type: single nucleotide variant.
Coding change: c.10551G>T on transcript NM_031407.7 (MANE Select); coding-DNA position 10551, G replaced by T.
Protein change: p.Leu3517=; no amino-acid change (leucine 3517 retained).
Molecular consequence: synonymous variant.
Genome position (GRCh38, 1-based): chrX:53,547,758, C>A on the plus strand (G>T on the coding strand, the complement: HUWE1 is on the minus strand). VCF-style: chrX-53547758-C-A. GRCh37 (hg19) VCF-style: chrX-53574719-C-A.
Identifiers: ClinVar variation 129249 (VCV000129249.26), dbSNP rs61730217, ClinGen allele CA153127.